The following is an entry in ClinVar:

ClinVar aggregate classification (germline): Likely benign (1 of 4 stars; one submission).

Submission:

CeGaT Center for Human Genetics Tuebingen
Classification: Likely benign. Last evaluated: 2025-02-01. Review status: criteria provided, single submitter. Criteria: CeGaT Center For Human Genetics Tuebingen Variant Classification Criteria Version 2. Collection method: clinical testing. Allele origin: germline. Affected: yes. Observed: 1 variant allele.
Comment: ZNF546: PM2:Supporting, BP4, BP7

NM_178544.5(ZNF546):c.912G>A (p.Lys304=)

Gene: ZNF546 (zinc finger protein 546; plus strand). Cytogenetic location: 19q13.2.
Variant type: single nucleotide variant.
Coding change: c.912G>A on transcript NM_178544.5 (MANE Select); coding-DNA position 912, G replaced by A.
Protein change: p.Lys304=; no amino-acid change (lysine 304 retained).
Molecular consequence: synonymous variant.
Genome position (GRCh38, 1-based): chr19:40,014,182, G>A. VCF-style: chr19-40014182-G-A. GRCh37 (hg19) VCF-style: chr19-40520089-G-A.
Other names: c.834G>A, p.Lys278= (NM_001297763.2).
Identifiers: ClinVar variation 3772543 (VCV003772543.13).